The following is an entry in ClinVar:

ClinVar aggregate classification (germline): Uncertain significance (1 of 4 stars; one submission).

Conditions:
Hereditary cancer-predisposing syndrome. Also called: Neoplastic Syndromes, Hereditary; Tumor predisposition; Hereditary Cancer Syndrome; Hereditary neoplastic syndrome. Identifiers: Orphanet 140162, MedGen C0027672, MeSH D009386, MONDO:0015356.

Submission:

Ambry Genetics
Classification: Uncertain significance for Hereditary cancer-predisposing syndrome. Last evaluated: 2026-05-15. Review status: criteria provided, single submitter. Criteria: Ambry Variant Classification Scheme 2023. Collection method: clinical testing. Allele origin: germline.
Comment: The p.S33P variant (also known as c.97T>C), located in coding exon 1 of the MET gene, results from a T to C substitution at nucleotide position 97. The serine at codon 33 is replaced by proline, an amino acid with similar properties. This amino acid position is well conserved in available vertebrate species. In addition, the in silico prediction for this alteration is inconclusive. Based on the available evidence, the clinical significance of this variant remains unclear.

NM_000245.4(MET):c.97T>C (p.Ser33Pro)

Gene: MET (MET proto-oncogene, receptor tyrosine kinase; plus strand). Cytogenetic location: 7q31.2.
Variant type: single nucleotide variant.
Coding change: c.97T>C on transcript NM_000245.4 (MANE Select); coding-DNA position 97, T replaced by C.
Protein change: p.Ser33Pro; replaces serine 33 with proline.
Molecular consequence: missense variant. On other transcripts: intron variant (1).
Genome position (GRCh38, 1-based): chr7:116,699,181, T>C. VCF-style: chr7-116699181-T-C. GRCh37 (hg19) VCF-style: chr7-116339235-T-C.
Other names: c.97T>C, p.Ser33Pro (NM_001127500.3, NM_001324401.3); c.-91+26604T>C (NM_001324402.2); short protein forms S33P.
Identifiers: ClinVar variation 4859984 (VCV004859984.1).